The following is an entry in ClinVar:

ClinVar aggregate classification (germline): Likely benign. Review status: criteria provided, multiple submitters, no conflicts (2 of 4 stars). 2 submissions from 2 submitters: Likely benign (2). Last evaluated 2025-12-28.

Conditions:
Hereditary diffuse gastric adenocarcinoma (HDGC). Also called: DIFFUSE GASTRIC AND LOBULAR BREAST CANCER SYNDROME. Identifiers: Orphanet 26106, MedGen C1708349, MONDO:0007648, OMIM 137215.

Allele frequency attached by ClinVar (database versions not stated): TOPMed 0.00001; gnomAD 0.00002.
gnomAD v4.1: 4 of 1,610,484 alleles (0.00025%); highest among the groups gnomAD compares: African/African-American, 0.0013%; no homozygotes.

Submissions (2):

Labcorp Genetics (formerly Invitae), Labcorp
Classification: Likely benign. Last evaluated: 2025-12-28. Review status: criteria provided, single submitter. Criteria: Invitae Variant Classification Sherloc (09022015). Collection method: clinical testing. Allele origin: germline.

Myriad Genetics, Inc.
Classification: Likely benign for Hereditary diffuse gastric adenocarcinoma. Last evaluated: 2024-10-09. Review status: criteria provided, single submitter. Criteria: Myriad Autosomal Dominant, Autosomal Recessive and X-Linked Classification Criteria (2023). Collection method: clinical testing. Allele origin: unknown.
Comment: This variant is considered likely benign. This variant is intronic and is not expected to impact mRNA splicing.

NM_001903.5(CTNNA1):c.469-8T>C

Gene: CTNNA1 (catenin alpha 1; plus strand). Cytogenetic location: 5q31.2.
Variant type: single nucleotide variant.
Coding change: c.469-8T>C on transcript NM_001903.5 (MANE Select); 8 bases into the intron before coding-DNA position 469, T replaced by C.
Molecular consequence: intron variant.
Genome position (GRCh38, 1-based): chr5:138,812,175, T>C. VCF-style: chr5-138812175-T-C. GRCh37 (hg19) VCF-style: chr5-138147864-T-C.
Other names: c.469-8T>C (NM_001323982.2, NM_001323984.2, NM_001290307.3 and 3 more transcripts); c.100-8T>C (NM_001290310.3); c.160-8T>C (NM_001290309.3).
Identifiers: ClinVar variation 706345 (VCV000706345.11), dbSNP rs771582713, ClinGen allele CA563294227.